The following is an entry in ClinVar:

ClinVar aggregate classification (germline): Likely pathogenic (1 of 4 stars; one submission).

Submission:

Clinical Genomics Laboratory, Laboratory for Precision Diagnostics, University of Washington
Classification: Likely pathogenic. Last evaluated: 2025-05-21. Review status: criteria provided, single submitter. Criteria: ACMG/ClinGen CNV Guidelines, 2019. Collection method: clinical testing. Allele origin: unknown. Affected: yes. Observed: 1 variant allele.
Comment: This duplication is approximately 1.4 Mb in size and contains 9 protein-coding genes. It is the recurrent duplication of the distal 1q21.1 region, between breakpoints 3 and 4. PMID: 37881147 recently described 12 patients with the distal 1q21.1 BP3-BP4 duplication and combined their findings with a review of 48 others reported in the medical literature.

Literature cited by the submitters: PubMed 37881147; PubMed 39840309.

GRCh38/hg38 1q21.1-21.2(chr1:147035137-148435808)x3

Genes: ACP6 (acid phosphatase 6, lysophosphatidic; minus strand), BCL9 (BCL9 transcription coactivator; plus strand), CHD1L (chromodomain helicase DNA binding protein 1 like; plus strand), FMO5 (flavin containing dimethylaniline monoxygenase 5; minus strand), GJA5 (gap junction protein alpha 5; minus strand) and 51 more. Cytogenetic location: 1q21.1-21.2.
Variant type: copy number gain.
Change: copy number 3 (three copies instead of two) of chr1:147,035,137-148,435,808 (1.40 Mb, GRCh38 coordinates, 1-based), cytogenetic band 1q21.1-21.2.
Identifiers: ClinVar variation 5038294 (VCV005038294.1).